The following is an entry in ClinVar:

ClinVar aggregate classification (germline): Uncertain significance. Review status: criteria provided, multiple submitters, no conflicts (2 of 4 stars). 2 submissions from 2 submitters: Uncertain significance (2). Last evaluated 2025-05-18.

Conditions:
Gorlin syndrome. Also called: Basal cell nevus syndrome; Nevoid Basal Cell Carcinoma Syndrome. Identifiers: Orphanet 377, MedGen C0004779, MONDO:0007187.

Allele frequency attached by ClinVar (database versions not stated): ExAC 0.00001; gnomAD exomes 0.00003; gnomAD 0.00001; TOPMed 0.00001.
gnomAD v4.1: 31 of 1,614,000 alleles (0.0019%); highest among the groups gnomAD compares: East Asian, 0.016%; no homozygotes.

Submissions (2):

Ambry Genetics
Classification: Uncertain significance. Last evaluated: 2025-05-18. Review status: criteria provided, single submitter. Criteria: Ambry Variant Classification Scheme 2023. Collection method: clinical testing. Allele origin: germline.

Labcorp Genetics (formerly Invitae), Labcorp
Classification: Uncertain significance for Gorlin syndrome. Last evaluated: 2025-04-07. Review status: criteria provided, single submitter. Criteria: Invitae Variant Classification Sherloc (09022015). Collection method: clinical testing. Allele origin: germline.
Comment: This sequence change replaces arginine, which is basic and polar, with glutamine, which is neutral and polar, at codon 525 of the PTCH2 protein (p.Arg525Gln). This variant is present in population databases (rs780947486, gnomAD 0.03%). This variant has not been reported in the literature in individuals affected with PTCH2-related conditions. ClinVar contains an entry for this variant (Variation ID: 838245). Invitae Evidence Modeling of protein sequence and biophysical properties (such as structural, functional, and spatial information, amino acid conservation, physicochemical variation, residue mobility, and thermodynamic stability) indicates that this missense variant is not expected to disrupt PTCH2 protein function with a negative predictive value of 80%. In summary, the available evidence is currently insufficient to determine the role of this variant in disease. Therefore, it has been classified as a Variant of Uncertain Significance.

NM_003738.5(PTCH2):c.1574G>A (p.Arg525Gln)

Gene: PTCH2 (patched 2; minus strand). Cytogenetic location: 1p34.1.
Variant type: single nucleotide variant.
Coding change: c.1574G>A on transcript NM_003738.5 (MANE Select); coding-DNA position 1574, G replaced by A.
Protein change: p.Arg525Gln; replaces arginine 525 with glutamine.
Molecular consequence: missense variant.
Genome position (GRCh38, 1-based): chr1:44,828,522, C>T on the plus strand (G>A on the coding strand, the complement: PTCH2 is on the minus strand). VCF-style: chr1-44828522-C-T. GRCh37 (hg19) VCF-style: chr1-45294194-C-T.
Other names: c.1574G>A, p.Arg525Gln (NM_001166292.2); short protein forms R525Q.
Identifiers: ClinVar variation 838245 (VCV000838245.12), dbSNP rs780947486, ClinGen allele CA823267.